The following is an entry in ClinVar:

NM_005502.4(ABCA1):c.2869G>A (p.Ala957Thr)

Gene: ABCA1 (ATP binding cassette subfamily A member 1; minus strand). Cytogenetic location: 9q31.1.
Variant type: single nucleotide variant.
Coding change: c.2869G>A on transcript NM_005502.4 (MANE Select); coding-DNA position 2869, G replaced by A.
Protein change: p.Ala957Thr; replaces alanine 957 with threonine.
Molecular consequence: missense variant.
Genome position (GRCh38, 1-based): chr9:104,821,466, C>T on the plus strand (G>A on the coding strand, the complement: ABCA1 is on the minus strand). VCF-style: chr9-104821466-C-T. GRCh37 (hg19) VCF-style: chr9-107583747-C-T.
Other names: short protein forms A957T.
Identifiers: ClinVar variation 1797025 (VCV001797025.2), dbSNP rs755100870, ClinGen allele CA5168619.

ClinVar aggregate classification (germline): Uncertain significance (1 of 4 stars; one submission).

Conditions:
Cardiovascular phenotype. Identifiers: MedGen CN230736.

Allele frequency attached by ClinVar (database versions not stated): ExAC 0.00001; gnomAD 0.00001; gnomAD exomes 0.00002; TOPMed 0.00004.
gnomAD v4.1: 35 of 1,613,882 alleles (0.0022%); highest among the groups gnomAD compares: South Asian, 0.0033%; no homozygotes.

Submission:

Ambry Genetics
Classification: Uncertain significance for Cardiovascular phenotype. Last evaluated: 2022-02-14. Review status: criteria provided, single submitter. Criteria: Ambry Variant Classification Scheme 2023. Collection method: clinical testing. Allele origin: germline.
Comment: The p.A957T variant (also known as c.2869G>A), located in coding exon 19 of the ABCA1 gene, results from a G to A substitution at nucleotide position 2869. The alanine at codon 957 is replaced by threonine, an amino acid with similar properties. This amino acid position is conserved. In addition, this alteration is predicted to be deleterious by in silico analysis. Since supporting evidence is limited at this time, the clinical significance of this alteration remains unclear.